The following is an entry in ClinVar:

ClinVar aggregate classification (germline): Benign (1 of 4 stars; one submission).

Allele frequency attached by ClinVar (database versions not stated): TOPMed 0.09018; gnomAD 0.09615 and 0.10009; 1000 Genomes Project 30x 0.13976; 1000 Genomes Project 0.14157.
gnomAD v4.1: 15,164 of 151,944 alleles (10%); highest among the groups gnomAD compares: South Asian, 21%; 890 homozygotes.

Submission:

GeneDx
Classification: Benign. Last evaluated: 2018-06-14. Review status: criteria provided, single submitter. Criteria: GeneDx Variant Classification (06012015). Collection method: clinical testing. Allele origin: germline. Affected: yes.
Comment: This variant is considered likely benign or benign based on one or more of the following criteria: it is a conservative change, it occurs at a poorly conserved position in the protein, it is predicted to be benign by multiple in silico algorithms, and/or has population frequency not consistent with disease.

NM_138773.4(SLC25A46):c.621-242A>G

Gene: SLC25A46 (solute carrier family 25 member 46; plus strand). Cytogenetic location: 5q22.1.
Variant type: single nucleotide variant.
Coding change: c.621-242A>G on transcript NM_138773.4 (MANE Select); 242 bases into the intron before coding-DNA position 621, A replaced by G.
Molecular consequence: intron variant.
Genome position (GRCh38, 1-based): chr5:110,756,460, A>G. VCF-style: chr5-110756460-A-G. GRCh37 (hg19) VCF-style: chr5-110092160-A-G.
Other names: c.348-242A>G (NM_001303250.3); c.621-242A>G (NM_001303249.3).
Identifiers: ClinVar variation 671100 (VCV000671100.1), dbSNP rs3214017, ClinGen allele CA12033429.